The following is an entry in ClinVar:

ClinVar aggregate classification (germline): Uncertain significance (1 of 4 stars; one submission).

Conditions:
Hereditary cancer-predisposing syndrome. Also called: Neoplastic Syndromes, Hereditary; Hereditary Cancer Syndrome; Hereditary neoplastic syndrome; Tumor predisposition. Identifiers: Orphanet 140162, MedGen C0027672, MeSH D009386, MONDO:0015356.

Submission:

Ambry Genetics
Classification: Uncertain significance for Hereditary cancer-predisposing syndrome. Last evaluated: 2023-04-07. Review status: criteria provided, single submitter. Criteria: Ambry Variant Classification Scheme 2023. Collection method: clinical testing. Allele origin: germline.
Comment: The p.G1100C variant (also known as c.3298G>T), located in coding exon 20 of the ALK gene, results from a G to T substitution at nucleotide position 3298. The glycine at codon 1100 is replaced by cysteine, an amino acid with highly dissimilar properties. This amino acid position is conserved. In addition, this alteration is predicted to be deleterious by in silico analysis. Since supporting evidence is limited at this time, the clinical significance of this alteration remains unclear.

NM_004304.5(ALK):c.3298G>T (p.Gly1100Cys)

Gene: ALK (ALK receptor tyrosine kinase; minus strand). Cytogenetic location: 2p23.2.
Variant type: single nucleotide variant.
Coding change: c.3298G>T on transcript NM_004304.5 (MANE Select); coding-DNA position 3298, G replaced by T.
Protein change: p.Gly1100Cys; replaces glycine 1100 with cysteine.
Molecular consequence: missense variant.
Genome position (GRCh38, 1-based): chr2:29,223,403, C>A on the plus strand (G>T on the coding strand, the complement: ALK is on the minus strand). VCF-style: chr2-29223403-C-A. GRCh37 (hg19) VCF-style: chr2-29446269-C-A.
Other names: c.94G>T, p.Gly32Cys (NM_001353765.2); short protein forms G1100C, G32C.
Identifiers: ClinVar variation 2566567 (VCV002566567.2), dbSNP rs2148170840, ClinGen allele CA346464842.